The following is an entry in ClinVar:

NC_012920.1(MT-CYB):m.15003G>A

Gene: MT-CYB (mitochondrially encoded cytochrome b; plus strand).
Variant type: single nucleotide variant.
Genome position: chrM-15003-G-A.
Identifiers: ClinVar variation 693808 (VCV000693808.1), dbSNP rs1603225014, ClinGen allele CA645611447.

ClinVar aggregate classification (germline): Uncertain significance (1 of 4 stars; one submission).

Conditions:
Leigh syndrome (NULS). Also called: Leigh's necrotizing encephalopathy; Leigh's disease; Leigh's syndrome; LEIGH SYNDROME, NUCLEAR; Leigh Syndrome (mtDNA deletion); Leigh Disease. Identifiers: Orphanet 506, MedGen C2931891, MONDO:0009723, OMIM 256000.

Submission:

Wong Mito Lab, Molecular and Human Genetics, Baylor College of Medicine
Classification: Uncertain significance for Leigh syndrome. Last evaluated: 2019-10-17. Review status: criteria provided, single submitter. Criteria: Modified ACMG Guidelines (Unpublished). Collection method: clinical testing. Allele origin: germline.
Comment: The NC_012920.1:m.15003G>A (YP_003024038.1:p.Gly83Asp) variant in MTCYB gene is interpretated to be a Uncertain Significance variant based on the modified ACMG guidelines (unpublished). This variant meets the following evidence codes: PP7